The following is an entry in ClinVar:

ClinVar aggregate classification (germline): Uncertain significance. Review status: criteria provided, multiple submitters, no conflicts (2 of 4 stars). 3 submissions from 3 submitters: Uncertain significance (3). Last evaluated 2025-03-14.

Conditions:
Ehlers-Danlos syndrome, classic type, 1 (EDSCL1). Also called: Ehlers-Danlos syndrome, type 1; Ehlers-Danlos Syndrome, Classic Type, COL5A1-Related; EDS I; EHLERS-DANLOS SYNDROME, GRAVIS TYPE; EHLERS-DANLOS SYNDROME, SEVERE CLASSIC TYPE. Identifiers: MedGen C0268335, MONDO:0019567, OMIM 130000.
Osteogenesis imperfecta type I (OI1). Also called: Osteogenesis imperfecta type 1; Lobstein's Disease; Lobstein disease; OI, TYPE I; OSTEOGENESIS IMPERFECTA TARDA; OSTEOGENESIS IMPERFECTA WITH BLUE SCLERAE. Identifiers: Orphanet 216796, Orphanet 666, MedGen C0023931, MONDO:0008146, OMIM 166200. Disease mechanism: loss of function.
Cardiovascular phenotype. Identifiers: MedGen CN230736.

Allele frequency attached by ClinVar (database versions not stated): gnomAD 0.00001.
gnomAD v4.1: 71 of 1,614,206 alleles (0.0044%); highest among the groups gnomAD compares: South Asian, 0.076%; 1 homozygote.

Submissions (3):

GeneDx
Classification: Uncertain significance. Last evaluated: 2025-03-14. Review status: criteria provided, single submitter. Criteria: GeneDx Variant Classification Process June 2021. Collection method: clinical testing. Allele origin: germline. Affected: yes.
Comment: In silico analysis indicates that this missense variant does not alter protein structure/function; Has not been previously published as pathogenic or benign to our knowledge

Labcorp Genetics (formerly Invitae), Labcorp
Classification: Uncertain significance for Osteogenesis imperfecta type I; Ehlers-Danlos syndrome, classic type, 1. Last evaluated: 2024-02-02. Review status: criteria provided, single submitter. Criteria: Invitae Variant Classification Sherloc (09022015). Collection method: clinical testing. Allele origin: germline.
Comment: This sequence change replaces valine, which is neutral and non-polar, with leucine, which is neutral and non-polar, at codon 285 of the COL1A2 protein (p.Val285Leu). This variant is present in population databases (rs751541809, gnomAD 0.05%). This variant has not been reported in the literature in individuals affected with COL1A2-related conditions. ClinVar contains an entry for this variant (Variation ID: 1763785). Advanced modeling of protein sequence and biophysical properties (such as structural, functional, and spatial information, amino acid conservation, physicochemical variation, residue mobility, and thermodynamic stability) performed at Invitae indicates that this missense variant is not expected to disrupt COL1A2 protein function with a negative predictive value of 95%. In summary, the available evidence is currently insufficient to determine the role of this variant in disease. Therefore, it has been classified as a Variant of Uncertain Significance.

Ambry Genetics
Classification: Uncertain significance for Cardiovascular phenotype. Last evaluated: 2021-11-08. Review status: criteria provided, single submitter. Criteria: Ambry Variant Classification Scheme 2023. Collection method: clinical testing. Allele origin: germline.
Comment: The p.V285L variant (also known as c.853G>T), located in coding exon 17 of the COL1A2 gene, results from a G to T substitution at nucleotide position 853. The valine at codon 285 is replaced by leucine, an amino acid with highly similar properties. This amino acid position is not well conserved in available vertebrate species, and leucine is the reference amino acid in other vertebrate species. In addition, this alteration is predicted to be tolerated by in silico analysis. Since supporting evidence is limited at this time, the clinical significance of this alteration remains unclear.

NM_000089.4(COL1A2):c.853G>T (p.Val285Leu)

Gene: COL1A2 (collagen type I alpha 2 chain; plus strand). Cytogenetic location: 7q21.3.
Variant type: single nucleotide variant.
Coding change: c.853G>T on transcript NM_000089.4 (MANE Select); coding-DNA position 853, G replaced by T.
Protein change: p.Val285Leu; replaces valine 285 with leucine.
Molecular consequence: missense variant.
Genome position (GRCh38, 1-based): chr7:94,409,382, G>T. VCF-style: chr7-94409382-G-T. GRCh37 (hg19) VCF-style: chr7-94038694-G-T.
Other names: short protein forms V285L.
Identifiers: ClinVar variation 1763785 (VCV001763785.6), dbSNP rs751541809, ClinGen allele CA4346847.